The following is an entry in ClinVar:

NM_000329.3(RPE65):c.504_580del (p.Cys169fs)

Gene: RPE65 (retinoid isomerohydrolase RPE65; minus strand). Cytogenetic location: 1p31.3.
Variant type: Deletion.
Coding change: c.504_580del on transcript NM_000329.3 (MANE Select); coding-DNA positions 504 to 580, 77 bases deleted.
Protein change: p.Cys169fs; shifts the reading frame from cysteine 169.
Molecular consequence: frameshift variant.
Genome position (GRCh38, 1-based): chr1:68,440,916-68,440,992, 77 bases deleted. GRCh37 (hg19): chr1:68,906,599-68,906,675.
Other names: short protein forms C169fs.
Identifiers: ClinVar variation 1381188 (VCV001381188.6), dbSNP rs2100821707, ClinGen allele CA2573131971.

ClinVar aggregate classification (germline): Pathogenic (1 of 4 stars; one submission).

Conditions:
Retinitis pigmentosa 20 (RP20). Identifiers: Orphanet 791, MedGen C3151086, MONDO:0013425, OMIM 613794.
Leber congenital amaurosis 2 (LCA2). Also called: Autosomal Recessive RPE65-Related Retinal Degeneration; AMAUROSIS CONGENITA OF LEBER II. Identifiers: Orphanet 65, MedGen C1859844, MONDO:0008765, OMIM 204100. Disease mechanism: loss of function.

Submission:

Labcorp Genetics (formerly Invitae), Labcorp
Classification: Pathogenic for Leber congenital amaurosis 2; Retinitis pigmentosa 20. Last evaluated: 2021-04-30. Review status: criteria provided, single submitter. Criteria: Invitae Variant Classification Sherloc (09022015). Collection method: clinical testing. Allele origin: germline.
Comment: For these reasons, this variant has been classified as Pathogenic. This variant has not been reported in the literature in individuals with RPE65-related conditions. This variant is not present in population databases (ExAC no frequency). This sequence change creates a premature translational stop signal (p.Cys169Leufs*39) in the RPE65 gene. It is expected to result in an absent or disrupted protein product. Loss-of-function variants in RPE65 are known to be pathogenic (PMID: 9326941, 9501220, 9843205, 18632300).

Literature cited by the submitters: PubMed 9326941; PubMed 9501220; PubMed 9843205; PubMed 18632300.